The following is an entry in ClinVar:

ClinVar aggregate classification (germline): Conflicting classifications of pathogenicity. Review status: criteria provided, conflicting classifications (1 of 4 stars). 2 submissions from 2 submitters: Uncertain significance (1); Likely benign (1). Last evaluated 2018-05-01.

Conditions:
Lynch syndrome. Identifiers: Orphanet 144, MedGen C4552100, MONDO:0005835. Disease mechanism: loss of function.
Hereditary cancer-predisposing syndrome. Also called: Neoplastic Syndromes, Hereditary; Hereditary neoplastic syndrome; Tumor predisposition; Hereditary Cancer Syndrome. Identifiers: Orphanet 140162, MedGen C0027672, MeSH D009386, MONDO:0015356.

Submissions (2):

University of Washington Department of Laboratory Medicine, University of Washington
Classification: Likely benign for Lynch syndrome. Last evaluated: 2018-05-01. Review status: criteria provided, single submitter. Criteria: Shirts BH et al. (Am J Hum Genet 2018). Collection method: clinical testing. Allele origin: somatic. Affected: yes.
Comment: MSH6 NM_000179.2:c.1207C>A has a 2.4% probability of pathogenicity based on combining prior probability from public data with a likelihood ratio of 0.16 to 1, generated from evidence of seeing this as a somatic mutation in a tumor with loss of heterozygosity at the MSH6 locus. See Shirts et al 2018, PMID 29887214.

Ambry Genetics
Classification: Uncertain significance for Hereditary cancer-predisposing syndrome. Last evaluated: 2017-08-08. Review status: criteria provided, single submitter. Criteria: Ambry Variant Classification Scheme 2023. Collection method: clinical testing. Allele origin: germline.
Comment: The p.L403I variant (also known as c.1207C>A), located in coding exon 4 of the MSH6 gene, results from a C to A substitution at nucleotide position 1207. The leucine at codon 403 is replaced by isoleucine, an amino acid with highly similar properties. This amino acid position is highly conserved in available vertebrate species. In addition, the in silico prediction for this alteration is inconclusive. In addition, the CoDP in silico tool predicts this alteration to have a minor impact on molecular function, with a score of 0.008 (Terui H et al. J. Biomed. Sci. 2013 Apr;20:25). Since supporting evidence is limited at this time, the clinical significance of this alteration remains unclear.

NM_000179.3(MSH6):c.1207C>A (p.Leu403Ile)

Gene: MSH6 (mutS homolog 6; plus strand). Cytogenetic location: 2p16.3.
Variant type: single nucleotide variant.
Coding change: c.1207C>A on transcript NM_000179.3 (MANE Select); coding-DNA position 1207, C replaced by A.
Protein change: p.Leu403Ile; replaces leucine 403 with isoleucine.
Molecular consequence: missense variant.
Genome position (GRCh38, 1-based): chr2:47,799,190, C>A. VCF-style: chr2-47799190-C-A. GRCh37 (hg19) VCF-style: chr2-48026329-C-A.
Other names: c.817C>A, p.Leu273Ile (NM_001281492.2); c.301C>A, p.Leu101Ile (NM_001281493.2, NM_001281494.2); short protein forms L403I, L273I, L101I.
Identifiers: ClinVar variation 619536 (VCV000619536.5), dbSNP rs876659223, ClinGen allele CA346743464.